The following is an entry in ClinVar:

NM_000059.4(BRCA2):c.3385C>T (p.Gln1129Ter)

Gene: BRCA2 (BRCA2 DNA repair associated; plus strand). Cytogenetic location: 13q13.1.
Variant type: single nucleotide variant.
Coding change: c.3385C>T on transcript NM_000059.4 (MANE Select); coding-DNA position 3385, C replaced by T.
Protein change: p.Gln1129Ter; replaces glutamine 1129 with a stop codon.
Molecular consequence: nonsense.
Genome position (GRCh38, 1-based): chr13:32,337,740, C>T. VCF-style: chr13-32337740-C-T. GRCh37 (hg19) VCF-style: chr13-32911877-C-T.
Other names: short protein forms Q1129*.
Identifiers: ClinVar variation 479332 (VCV000479332.21), dbSNP rs1555283209, ClinGen allele CA387776436.

ClinVar aggregate classification (germline): Pathogenic/Likely pathogenic. Review status: criteria provided, multiple submitters, no conflicts (2 of 4 stars). 6 submissions from 6 submitters: Pathogenic (5); Likely pathogenic (1). Last evaluated 2025-03-04.

Conditions:
Hereditary breast ovarian cancer syndrome. Also called: Hereditary breast and ovarian cancer syndrome (HBOC); Hereditary breast and ovarian cancer syndrome; Breast and ovarian cancer; BRCA1- and BRCA2-Associated Hereditary Breast and Ovarian Cancer; Hereditary breast and ovarian cancer; Hereditary breast and/or ovarian cancer syndrome. Identifiers: Orphanet 145, MedGen C0677776, MeSH D061325, MONDO:0003582. Disease mechanism: loss of function.
Hereditary cancer-predisposing syndrome. Also called: Neoplastic Syndromes, Hereditary; Hereditary Cancer Syndrome; Hereditary neoplastic syndrome; Tumor predisposition. Identifiers: Orphanet 140162, MedGen C0027672, MeSH D009386, MONDO:0015356.

Allele frequency attached by ClinVar (database versions not stated): gnomAD exomes below 0.00001.
gnomAD v4.1: 1 of 1,613,608 alleles (0.000062%); highest among the groups gnomAD compares: Non-Finnish European, 0.000085%; no homozygotes.

Submissions (6):

Center for Genomic Medicine, Rigshospitalet, Copenhagen University Hospital
Classification: Pathogenic. Last evaluated: 2025-03-04. Review status: criteria provided, single submitter. Criteria: ACMG Guidelines, 2015. Collection method: clinical testing. Allele origin: germline.

Revvity Omics, Revvity
Classification: Pathogenic. Last evaluated: 2023-09-22. Review status: criteria provided, single submitter. Criteria: ACMG Guidelines, 2015. Collection method: clinical testing. Allele origin: germline.

Labcorp Genetics (formerly Invitae), Labcorp
Classification: Pathogenic for Hereditary breast ovarian cancer syndrome. Last evaluated: 2023-01-24. Review status: criteria provided, single submitter. Criteria: Invitae Variant Classification Sherloc (09022015). Collection method: clinical testing. Allele origin: germline.
Comment: For these reasons, this variant has been classified as Pathogenic. ClinVar contains an entry for this variant (Variation ID: 479332). This variant has not been reported in the literature in individuals affected with BRCA2-related conditions. This variant is not present in population databases (gnomAD no frequency). This sequence change creates a premature translational stop signal (p.Gln1129*) in the BRCA2 gene. It is expected to result in an absent or disrupted protein product. Loss-of-function variants in BRCA2 are known to be pathogenic (PMID: 20104584).

Ambry Genetics
Classification: Pathogenic for Hereditary cancer-predisposing syndrome. Last evaluated: 2021-10-08. Review status: criteria provided, single submitter. Criteria: Ambry Variant Classification Scheme 2023. Collection method: clinical testing. Allele origin: germline.
Comment: The p.Q1129* pathogenic mutation (also known as c.3385C>T), located in coding exon 10 of the BRCA2 gene, results from a C to T substitution at nucleotide position 3385. This changes the amino acid from a glutamine to a stop codon within coding exon 10. This variant was identified in a cohort of 882 Chinese individuals with a personal and/or family history of breast or ovarian cancers who underwent multi-gene panel testing for HBOC risk assessment (Shao D et al. Cancer Sci, 2020 Feb;111:647-657). This variant is considered to be rare based on population cohorts in the Genome Aggregation Database (gnomAD). In addition to the clinical data presented in the literature, this alteration is expected to result in loss of function by premature protein truncation or nonsense-mediated mRNA decay. As such, this alteration is interpreted as a disease-causing mutation.

Women's Health and Genetics/Laboratory Corporation of America, LabCorp
Classification: Likely pathogenic for Hereditary breast ovarian cancer syndrome. Last evaluated: 2016-05-31. Review status: criteria provided, single submitter. Criteria: LabCorp Variant Classification Summary - May 2015. Collection method: clinical testing. Allele origin: germline.
Comment: Variant summary: The BRCA2 c.3385C>T (p.Gln1129X) variant results in a premature termination codon, predicted to cause a truncated or absent BRCA2 protein due to nonsense mediated decay, which are commonly known mechanisms for disease. Truncations downstream of this position have been classified as pathogenic by our laboratory (e.g p.Leu1152X, p.Phe1182fsX1, p.Lys1191fsX6). One in silico tool predicts a damaging outcome for this variant. This variant is absent in 120770 control chromosomes and has not, to our knowledge, been reported in affected individuals via publications and/or reputable databases/clinical diagnostic laboratories; nor evaluated for functional impact by in vivo/vitro studies. Taken together, this variant is classified as likely pathogenic.

GeneDx
Classification: Pathogenic. Last evaluated: 2016-05-04. Review status: criteria provided, single submitter. Criteria: GeneDx Variant Classification (06012015). Collection method: clinical testing. Allele origin: germline. Affected: yes.
Comment: This variant is denoted BRCA2 c.3385C>T at the cDNA level and p.Gln1129Ter (Q1129X) at the protein level. The substitution creates a nonsense variant, which changes a Glutamine to a premature stop codon (CAG>TAG), and is predicted to cause loss of normal protein function through either protein truncation or nonsense-mediated mRNA decay. Using alternate nomenclature, this variant would be defined as BRCA2 3613C>T. Although this variant has not, to our knowledge, been reported in the literature, it is considered pathogenic.

Literature cited by the submitters: PubMed 31742824 (cited by Center for Genomic Medicine, Rigshospitalet, Copenhagen University Hospital and Ambry Genetics); PubMed 32091409 (cited by Center for Genomic Medicine, Rigshospitalet, Copenhagen University Hospital); PubMed 20104584 (cited by Labcorp Genetics (formerly Invitae), Labcorp).